The following is an entry in ClinVar:

NM_005026.5(PIK3CD):c.719C>T (p.Thr240Met)

Gene: PIK3CD (phosphatidylinositol-4,5-bisphosphate 3-kinase catalytic subunit delta; plus strand). Cytogenetic location: 1p36.22.
Variant type: single nucleotide variant.
Coding change: c.719C>T on transcript NM_005026.5 (MANE Select); coding-DNA position 719, C replaced by T.
Protein change: p.Thr240Met; replaces threonine 240 with methionine.
Molecular consequence: missense variant.
Genome position (GRCh38, 1-based): chr1:9,716,558, C>T. VCF-style: chr1-9716558-C-T. GRCh37 (hg19) VCF-style: chr1-9776616-C-T.
Other names: c.719C>T, p.Thr240Met (NM_001350234.2, NM_001350235.1); short protein forms T240M.
Identifiers: ClinVar variation 2792887 (VCV002792887.4), dbSNP rs762485999, ClinGen allele CA576957.

ClinVar aggregate classification (germline): Uncertain significance. Review status: criteria provided, multiple submitters, no conflicts (2 of 4 stars). 2 submissions from 2 submitters: Uncertain significance (2). Last evaluated 2024-04-18.

Conditions:
Immunodeficiency 14 (IMD14A). Also called: p110-DELTA-ACTIVATING MUTATION CAUSING SENESCENT T CELLS, LYMPHADENOPATHY, AND IMMUNODEFICIENCY; IMMUNODEFICIENCY 14A WITH LYMPHOPROLIFERATION, AUTOSOMAL DOMINANT; ACTIVATED PI3K-DELTA SYNDROME 1; Activated PI3K Delta Syndrome Type 1 (APDS1). Identifiers: Orphanet 397596, Orphanet 693661, MedGen C5907821, MONDO:0014222, OMIM 615513.

Allele frequency attached by ClinVar (database versions not stated): ExAC 0.00001; gnomAD 0.00001; gnomAD exomes 0.00001; TOPMed 0.00001.

Submissions (2):

Blueprint Genetics
Classification: Uncertain significance. Last evaluated: 2024-04-18. Review status: criteria provided, single submitter. Criteria: ACMG Guidelines, 2015. Collection method: clinical testing. Allele origin: germline.

Labcorp Genetics (formerly Invitae), Labcorp
Classification: Uncertain significance for Activated PI3K-delta syndrome. Last evaluated: 2023-08-03. Review status: criteria provided, single submitter. Criteria: Invitae Variant Classification Sherloc (09022015). Collection method: clinical testing. Allele origin: germline.
Comment: This sequence change replaces threonine, which is neutral and polar, with methionine, which is neutral and non-polar, at codon 240 of the PIK3CD protein (p.Thr240Met). This variant is present in population databases (rs762485999, gnomAD 0.006%). This variant has not been reported in the literature in individuals affected with PIK3CD-related conditions. Advanced modeling of protein sequence and biophysical properties (such as structural, functional, and spatial information, amino acid conservation, physicochemical variation, residue mobility, and thermodynamic stability) performed at Invitae indicates that this missense variant is not expected to disrupt PIK3CD protein function. In summary, the available evidence is currently insufficient to determine the role of this variant in disease. Therefore, it has been classified as a Variant of Uncertain Significance.